The following is an entry in ClinVar:

NM_001363118.2(SLC52A2):c.1116G>C (p.Val372=)

Gene: SLC52A2 (solute carrier family 52 member 2; plus strand). Cytogenetic location: 8q24.3.
Variant type: single nucleotide variant.
Coding change: c.1116G>C on transcript NM_001363118.2 (MANE Select); coding-DNA position 1116, G replaced by C.
Protein change: p.Val372=; no amino-acid change (valine 372 retained).
Molecular consequence: synonymous variant. On other transcripts: non-coding transcript variant (1).
Genome position (GRCh38, 1-based): chr8:144,360,704, G>C. VCF-style: chr8-144360704-G-C. GRCh37 (hg19) VCF-style: chr8-145584364-G-C.
Other names: c.1116G>C, p.Val372= (NM_001253815.2, NM_001253816.2, NM_001363120.2 and 2 more transcripts); c.624G>C, p.Val208= (NM_001363122.2).
Identifiers: ClinVar variation 766223 (VCV000766223.8), dbSNP rs200631895, ClinGen allele CA4938380.

ClinVar aggregate classification (germline): Conflicting classifications of pathogenicity. Review status: criteria provided, conflicting classifications (1 of 4 stars). 2 submissions from 2 submitters: Uncertain significance (1); Likely benign (1). Last evaluated 2024-12-03.

Conditions:
Brown-Vialetto-van Laere syndrome 2. Also called: SPINOCEREBELLAR ATAXIA WITH BLINDNESS AND DEAFNESS 2; Riboflavin transporter deficiency type 2. Identifiers: Orphanet 572543, Orphanet 97229, MedGen C3553538, MONDO:0013867, OMIM 614707.

Allele frequency attached by ClinVar (database versions not stated): ExAC 0.00001; gnomAD 0.00001; 1000 Genomes Project 30x 0.00016; 1000 Genomes Project 0.00020.

Submissions (2):

GeneDx
Classification: Uncertain significance. Last evaluated: 2024-12-03. Review status: criteria provided, single submitter. Criteria: GeneDx Variant Classification Process June 2021. Collection method: clinical testing. Allele origin: germline. Affected: yes.
Comment: Not observed at significant frequency in large population cohorts (gnomAD); Has not been previously published as pathogenic or benign to our knowledge; In silico analysis is inconclusive as to whether the variant alters gene splicing. In the absence of RNA/functional studies, the actual effect of this sequence change is unknown.

Labcorp Genetics (formerly Invitae), Labcorp
Classification: Likely benign for Brown-Vialetto-van Laere syndrome 2. Last evaluated: 2018-06-21. Review status: criteria provided, single submitter. Criteria: Invitae Variant Classification Sherloc (09022015). Collection method: clinical testing. Allele origin: germline.